The following is an entry in ClinVar:

ClinVar aggregate classification (germline): Uncertain significance (1 of 4 stars; one submission).

Conditions:
Atrial fibrillation, familial, 7 (ATFB7). Identifiers: MedGen C2677106, MONDO:0012828, OMIM 612240.

Allele frequency attached by ClinVar (database versions not stated): TOPMed 0.00001; ExAC 0.00002; gnomAD 0.00002; gnomAD exomes 0.00003.

Submission:

Labcorp Genetics (formerly Invitae), Labcorp
Classification: Uncertain significance for Atrial fibrillation, familial, 7. Last evaluated: 2021-04-30. Review status: criteria provided, single submitter. Criteria: Invitae Variant Classification Sherloc (09022015). Collection method: clinical testing. Allele origin: germline.
Comment: In summary, the available evidence is currently insufficient to determine the role of this variant in disease. Therefore, it has been classified as a Variant of Uncertain Significance. Algorithms developed to predict the effect of missense changes on protein structure and function are either unavailable or do not agree on the potential impact of this missense change (SIFT: "Deleterious"; PolyPhen-2: "Probably Damaging"; Align-GVGD: "Class C0"). This variant has not been reported in the literature in individuals with KCNA5-related conditions. This variant is present in population databases (rs756382048, ExAC 0.02%). This sequence change replaces glycine with arginine at codon 206 of the KCNA5 protein (p.Gly206Arg). The glycine residue is highly conserved and there is a moderate physicochemical difference between glycine and arginine.

NM_002234.4(KCNA5):c.616G>A (p.Gly206Arg)

Gene: KCNA5 (potassium voltage-gated channel subfamily A member 5; plus strand). Cytogenetic location: 12p13.32.
Variant type: single nucleotide variant.
Coding change: c.616G>A on transcript NM_002234.4 (MANE Select); coding-DNA position 616, G replaced by A.
Protein change: p.Gly206Arg; replaces glycine 206 with arginine.
Molecular consequence: missense variant.
Genome position (GRCh38, 1-based): chr12:5,044,763, G>A. VCF-style: chr12-5044763-G-A. GRCh37 (hg19) VCF-style: chr12-5153929-G-A.
Other names: short protein forms G206R.
Identifiers: ClinVar variation 1434777 (VCV001434777.8), dbSNP rs756382048, ClinGen allele CA6399671.
Genomic context (GRCh38, chr12:5,044,763, plus strand): 5'-CGGAGGCCGGTCAACGTCTCCCTGGACGTGTTCGCGGACGAGATACGCTTCTACCAGCTG[G>A]GGGACGAGGCCATGGAGCGCTTCCGCGAGGATGAGGGCTTCATTAAAGAAGAGGAGAAGC-3'
Protein context (NP_002225.2, residues 196-216): FADEIRFYQL[Gly206Arg]DEAMERFRED